The following is an entry in ClinVar:

NM_020320.5(RARS2):c.1586+3A>T

Gene: RARS2 (arginyl-tRNA synthetase 2, mitochondrial; minus strand). Cytogenetic location: 6q15.
Variant type: single nucleotide variant.
Coding change: c.1586+3A>T on transcript NM_020320.5 (MANE Select); 3 bases into the intron after coding-DNA position 1586, A replaced by T.
Molecular consequence: intron variant.
Genome position (GRCh38, 1-based): chr6:87,516,803, T>A on the plus strand (A>T on the coding strand, the complement: RARS2 is on the minus strand). VCF-style: chr6-87516803-T-A. GRCh37 (hg19) VCF-style: chr6-88226521-T-A.
Other names: c.1586+3A>T (NM_020320.4, NM_001350505.2); c.1061+3A>T (NM_001350509.2, NM_001318785.2, NM_001350506.2 and 4 more transcripts).
Identifiers: ClinVar variation 3594165 (VCV003594165.4).

ClinVar aggregate classification (germline): Likely pathogenic. Review status: criteria provided, multiple submitters, no conflicts (2 of 4 stars). 4 submissions from 4 submitters: Likely pathogenic (4). Last evaluated 2026-01-22.

Conditions:
Pontocerebellar hypoplasia type 6 (PCH6). Identifiers: Orphanet 166073, MedGen C1969084, MONDO:0012683, OMIM 611523.
RARS2-related disorder. Also called: RARS2-related condition.

gnomAD v4.1: 1 of 1,613,344 alleles (0.000062%); highest among the groups gnomAD compares: Non-Finnish European, 0.000085%; no homozygotes.

Submissions (4):

GeneDx
Classification: Likely pathogenic. Last evaluated: 2026-01-22. Review status: criteria provided, single submitter. Criteria: GeneDx Variant Classification Process June 2021. Collection method: clinical testing. Allele origin: germline.
Comment: Canonical splice site variant predicted to result in an in-frame loss of the adjacent exon in a gene for which loss of function is a known mechanism of disease; Functional studies demonstrate c.1586+3A>T results in skipping of exon 18, deleting 25 residues and re-establishing the reading frame after residue S529, which is predicted to result in a slightly shortened but functional version of the protein (PMID: 22569581); Not observed at significant frequency in large population cohorts (gnomAD); This variant is associated with the following publications: (PMID: 23427196, 34717047, 35468344, 35707589, 22569581)

Natera, Inc.
Classification: Likely pathogenic for Pontocerebellar hypoplasia, type 6. Last evaluated: 2025-06-20. Review status: criteria provided, single submitter. Criteria: Natera Variant Classification Schema (03/2026). Collection method: clinical testing. Allele origin: germline.
Comment: The c.1586+3A>T variant in RARS2 is an intronic variant located outside the canonical splice sites. This variant is rare in the general population with a frequency below the threshold expected for the associated phenotype(s). This variant has been observed in one or more individuals affected with the associated recessive disease, as either homozygous or compound heterozygous with a second variant (PMID: 22569581). Additionally, this variant has been observed to segregate in affected family members (PMID: 22569581). Computational prediction algorithms indicate this variant is likely to affect gene or protein function. Given the available evidence, this variant is classified as Likely Pathogenic.

PreventionGenetics, part of Exact Sciences
Classification: Likely pathogenic for RARS2-related condition. Last evaluated: 2025-01-05. Review status: criteria provided, single submitter. Criteria: ACMG Guidelines, 2015. Collection method: clinical testing. Allele origin: germline.
Comment: The RARS2 c.1586+3A>T variant is predicted to interfere with splicing. This variant has been reported in the compound heterozygous state in two affected siblings with pontocerebellar hypoplasia (Family A in Cassandrini et al. 2013. PubMed ID: 22569581). Splicing studies found this variant lead to exon skipping which is predicted to result in an in-frame deletion of 25 amino acids (p.Arg504_Leu528del) (Cassandrini et al. 2013. PubMed ID: 22569581). This variant has not been reported in a large population database (gnomAD), indicating this variant is rare. This variant is interpreted as likely pathogenic.

Fulgent Genetics
Classification: Likely pathogenic for Pontocerebellar hypoplasia type 6. Last evaluated: 2024-04-10. Review status: criteria provided, single submitter. Criteria: ACMG Guidelines, 2015. Collection method: clinical testing. Allele origin: germline.

Literature cited by the submitters: PubMed 22569581 (cited by Natera, Inc.).